The following is an entry in ClinVar:

ClinVar aggregate classification (germline): Likely benign. Review status: criteria provided, multiple submitters, no conflicts (2 of 4 stars). 3 submissions from 3 submitters: Likely benign (2). 1 of the submissions does not count toward it. Last evaluated 2025-03-20.

Conditions:
SLC25A46-related disorder. Also called: SLC25A46-related condition.

Allele frequency attached by ClinVar (database versions not stated): gnomAD 0.00021; TOPMed 0.00025; ExAC 0.00041.
gnomAD v4.1: 373 of 1,545,618 alleles (0.024%); highest among the groups gnomAD compares: Middle Eastern, 0.33%; 1 homozygote.

Submissions (3):

Mayo Clinic Laboratories, Mayo Clinic
Classification: Likely benign. Last evaluated: 2025-03-20. Review status: criteria provided, single submitter. Criteria: ACMG Guidelines, 2015. Collection method: clinical testing. Allele origin: germline. Observed: 1 variant allele.
Comment: BS1, BP4

Blueprint Genetics
Classification: Likely benign. Last evaluated: 2024-10-02. Review status: criteria provided, single submitter. Criteria: ACMG Guidelines, 2015. Collection method: clinical testing. Allele origin: germline.

PreventionGenetics, part of Exact Sciences
Classification: Likely benign for SLC25A46-related condition. Last evaluated: 2020-02-14. Review status: no assertion criteria provided. Collection method: clinical testing. Allele origin: germline. Not counted in ClinVar's aggregate classification.
Comment: This variant is classified as likely benign based on ACMG/AMP sequence variant interpretation guidelines (Richards et al. 2015 PMID: 25741868, with internal and published modifications).

NM_138773.4(SLC25A46):c.-6G>A

Gene: SLC25A46 (solute carrier family 25 member 46; plus strand). Cytogenetic location: 5q22.1.
Variant type: single nucleotide variant.
Coding change: c.-6G>A on transcript NM_138773.4 (MANE Select); 6 bases upstream of the start codon, G replaced by A.
Molecular consequence: 5 prime UTR variant. On other transcripts: non-coding transcript variant (1), intron variant (1).
Genome position (GRCh38, 1-based): chr5:110,739,114, G>A. VCF-style: chr5-110739114-G-A. GRCh37 (hg19) VCF-style: chr5-110074815-G-A.
Other names: c.-6G>A (NM_001303249.3); c.10+867G>A (NM_001303250.3).
Identifiers: ClinVar variation 3043548 (VCV003043548.4), dbSNP rs753376360, ClinGen allele CA3364456.